The following is an entry in ClinVar:

ClinVar aggregate classification (germline): Uncertain significance (1 of 4 stars; one submission).

Conditions:
Inborn genetic diseases. Identifiers: MedGen C0950123, MeSH D030342.

gnomAD v4.1: 1 of 1,614,172 alleles (0.000062%); highest among the groups gnomAD compares: Non-Finnish European, 0.000085%; no homozygotes.

Submission:

Ambry Genetics
Classification: Uncertain significance for Inborn genetic diseases. Last evaluated: 2026-07-05. Review status: criteria provided, single submitter. Criteria: Ambry Variant Classification Scheme 2023. Collection method: clinical testing. Allele origin: germline.
Comment: The p.G1376C variant (also known as c.4126G>T), located in coding exon 13 of the ASXL1 gene, results from a G to T substitution at nucleotide position 4126. The glycine at codon 1376 is replaced by cysteine, an amino acid with highly dissimilar properties. This amino acid position is conserved. In addition, this alteration is predicted to be tolerated by in silico analysis. Based on the available evidence, the clinical significance of this variant remains unclear.

NM_015338.6(ASXL1):c.4126G>T (p.Gly1376Cys)

Gene: ASXL1 (ASXL transcriptional regulator 1; plus strand). Cytogenetic location: 20q11.21.
Variant type: single nucleotide variant.
Coding change: c.4126G>T on transcript NM_015338.6 (MANE Select); coding-DNA position 4126, G replaced by T.
Protein change: p.Gly1376Cys; replaces glycine 1376 with cysteine.
Molecular consequence: missense variant.
Genome position (GRCh38, 1-based): chr20:32,436,838, G>T. VCF-style: chr20-32436838-G-T. GRCh37 (hg19) VCF-style: chr20-31024641-G-T.
Other names: c.3943G>T, p.Gly1315Cys (NM_001363734.1); short protein forms G1315C, G1376C.
Identifiers: ClinVar variation 5029819 (VCV005029819.1).